The following is an entry in ClinVar:

ClinVar aggregate classification (germline): Uncertain significance. Review status: criteria provided, multiple submitters, no conflicts (2 of 4 stars). 2 submissions from 2 submitters: Uncertain significance (2). Last evaluated 2023-07-11.

Conditions:
RXFP2-related disorder. Also called: RXFP2-related condition.

Allele frequency attached by ClinVar (database versions not stated): gnomAD exomes 0.00004; ExAC 0.00016; ESP Exome Variant Server 0.00031; gnomAD 0.00051; TOPMed 0.00066.
gnomAD v4.1: 138 of 1,614,052 alleles (0.0085%); highest among the groups gnomAD compares: African/African-American, 0.17%; no homozygotes.

Submissions (2):

PreventionGenetics, part of Exact Sciences
Classification: Uncertain significance for RXFP2-related condition. Last evaluated: 2023-07-11. Review status: criteria provided, single submitter. Criteria: ACMG Guidelines, 2015. Collection method: clinical testing. Allele origin: germline.
Comment: The RXFP2 c.1426A>G variant is predicted to result in the amino acid substitution p.Ile476Val. To our knowledge, this variant has not been reported in the literature. This variant is reported in 0.18% of alleles in individuals of African descent in gnomAD. At this time, the clinical significance of this variant is uncertain due to the absence of conclusive functional and genetic evidence.

Ambry Genetics
Classification: Uncertain significance. Last evaluated: 2021-08-02. Review status: criteria provided, single submitter. Criteria: Ambry Variant Classification Scheme 2023. Collection method: clinical testing. Allele origin: germline.

NM_130806.5(RXFP2):c.1426A>G (p.Ile476Val)

Gene: RXFP2 (relaxin family peptide receptor 2; plus strand). Cytogenetic location: 13q13.1.
Variant type: single nucleotide variant.
Coding change: c.1426A>G on transcript NM_130806.5 (MANE Select); coding-DNA position 1426, A replaced by G.
Protein change: p.Ile476Val; replaces isoleucine 476 with valine.
Molecular consequence: missense variant.
Genome position (GRCh38, 1-based): chr13:31,792,728, A>G. VCF-style: chr13-31792728-A-G. GRCh37 (hg19) VCF-style: chr13-32366865-A-G.
Other names: c.1354A>G, p.Ile452Val (NM_001166058.2); short protein forms I452V, I476V.
Identifiers: ClinVar variation 2356304 (VCV002356304.3), dbSNP rs146674634, ClinGen allele CA6937465.